The following is an entry in ClinVar:

ClinVar aggregate classification (germline): Uncertain significance (1 of 4 stars; one submission).

Conditions:
GNAS-related disorder. Identifiers: MedGen CN380105.

gnomAD v4.1: 29 of 1,611,838 alleles (0.0018%); highest among the groups gnomAD compares: Non-Finnish European, 0.0023%; no homozygotes.

Submission:

PreventionGenetics, part of Exact Sciences
Classification: Uncertain significance for GNAS-related condition. Last evaluated: 2025-01-29. Review status: criteria provided, single submitter. Criteria: ACMG Guidelines, 2015. Collection method: clinical testing. Allele origin: germline.
Comment: The GNAS c.737T>C variant is predicted to result in the amino acid substitution p.Ile246Thr. This variant corresponds to a pre-coding position in the primary transcript for this gene (NM_000516:c.-37725T>C). To our knowledge, this variant has not been reported in the literature. This variant is reported in 0.0052% of alleles in individuals of East Asian descent in gnomAD. At this time, the clinical significance of this variant is uncertain due to the absence of conclusive functional and genetic evidence.

NM_080425.4(GNAS):c.737T>C (p.Ile246Thr)

Gene: GNAS (GNAS complex locus; plus strand). Cytogenetic location: 20q13.32.
Variant type: single nucleotide variant.
Coding change: c.737T>C on transcript NM_080425.4 (MANE Plus Clinical); coding-DNA position 737, T replaced by C.
Protein change: p.Ile246Thr; replaces isoleucine 246 with threonine.
Molecular consequence: missense variant. On other transcripts: intron variant (3).
Genome position (GRCh38, 1-based): chr20:58,854,002, T>C. VCF-style: chr20-58854002-T-C. GRCh37 (hg19) VCF-style: chr20-57429057-T-C.
Other names: c.550T>C, p.Ser184Pro (NM_001309883.1, NM_001077490.3); c.737T>C, p.Ile246Thr (NM_001410913.1); c.*42+13116T>C (NM_016592.5); c.43+13116T>C (NM_001410912.1); c.-39+12127T>C (NM_001309861.2); short protein forms I246T, S184P.
Identifiers: ClinVar variation 4984208 (VCV004984208.1).